The following is an entry in ClinVar:

ClinVar aggregate classification (germline): Uncertain significance. Review status: criteria provided, multiple submitters, no conflicts (2 of 4 stars). 2 submissions from 2 submitters: Uncertain significance (2). Last evaluated 2025-08-29.

Conditions:
Inborn genetic diseases. Identifiers: MedGen C0950123, MeSH D030342.

Allele frequency attached by ClinVar (database versions not stated): gnomAD exomes 0.00002; gnomAD 0.00009 and 0.00010; TOPMed 0.00010.
gnomAD v4.1: 49 of 1,513,326 alleles (0.0032%); highest among the groups gnomAD compares: African/African-American, 0.022%; no homozygotes.

Submissions (2):

Ambry Genetics
Classification: Uncertain significance for Inborn genetic diseases. Last evaluated: 2025-08-29. Review status: criteria provided, single submitter. Criteria: Ambry Variant Classification Scheme 2023. Collection method: clinical testing. Allele origin: germline.

Labcorp Genetics (formerly Invitae), Labcorp
Classification: Uncertain significance. Last evaluated: 2025-06-23. Review status: criteria provided, single submitter. Criteria: Invitae Variant Classification Sherloc (09022015). Collection method: clinical testing. Allele origin: germline.
Comment: This sequence change replaces glycine, which is neutral and non-polar, with aspartic acid, which is acidic and polar, at codon 31 of the TBCD protein (p.Gly31Asp). This variant is present in population databases (no rsID available, gnomAD 0.03%). This variant has not been reported in the literature in individuals affected with TBCD-related conditions. ClinVar contains an entry for this variant (Variation ID: 1422305). Invitae Evidence Modeling of protein sequence and biophysical properties (such as structural, functional, and spatial information, amino acid conservation, physicochemical variation, residue mobility, and thermodynamic stability) indicates that this missense variant is not expected to disrupt TBCD protein function with a negative predictive value of 80%. In summary, the available evidence is currently insufficient to determine the role of this variant in disease. Therefore, it has been classified as a Variant of Uncertain Significance.

NM_005993.5(TBCD):c.92G>A (p.Gly31Asp)

Gene: TBCD (tubulin folding cofactor D). Cytogenetic location: 17q25.3.
Variant type: single nucleotide variant.
Coding change: c.92G>A on transcript NM_005993.5 (MANE Select); coding-DNA position 92, G replaced by A.
Protein change: p.Gly31Asp; replaces glycine 31 with aspartic acid.
Molecular consequence: missense variant.
Genome position (GRCh38, 1-based): chr17:82,752,285, G>A. VCF-style: chr17-82752285-G-A. GRCh37 (hg19) VCF-style: chr17-80710161-G-A.
Other names: c.92G>A (NM_005993.4); short protein forms G31D.
Identifiers: ClinVar variation 1422305 (VCV001422305.5), dbSNP rs1169464820, ClinGen allele CA401622308.
Genomic context (GRCh38, chr17:82,752,285, plus strand): 5'-GCCCCGAGGAGGAGGCGGAGGACGAGACACTGGCCTTTGGCGCGGCGCTGGAAGCGTTCG[G>A]CGAGAGCGCGGAGACCCGGGCGCTGCTGGGCCGCCTGCGGGAGGTGCACGGCGGCGGCGC-3'
Protein context (NP_005984.3, residues 21-41): LAFGAALEAF[Gly31Asp]ESAETRALLG